The following is an entry in ClinVar:

NM_000256.3(MYBPC3):c.3599T>C (p.Leu1200Pro)

Gene: MYBPC3 (myosin binding protein C3; minus strand). Cytogenetic location: 11p11.2.
Variant type: single nucleotide variant.
Coding change: c.3599T>C on transcript NM_000256.3 (MANE Select); coding-DNA position 3599, T replaced by C.
Protein change: p.Leu1200Pro; replaces leucine 1200 with proline.
Molecular consequence: missense variant.
Genome position (GRCh38, 1-based): chr11:47,332,594, A>G on the plus strand (T>C on the coding strand, the complement: MYBPC3 is on the minus strand). VCF-style: chr11-47332594-A-G. GRCh37 (hg19) VCF-style: chr11-47354145-A-G.
Other names: short protein forms L1200P.
Identifiers: ClinVar variation 42725 (VCV000042725.16), dbSNP rs397516028, ClinGen allele CA014395.
Genomic context (GRCh38, chr11:47,332,594, plus strand): 5'-GTCGGCCTGGACCAGCGCCTAAAGTTCCCTACCTTGGGGCTACCCCGGACAGCACAGCAG[A>G]GCATAGCAGTGTAGCCCGCGATGACCGAGCGGTTCACCAGGGGCTGGGTGAAGCTTGGGG-3'
Protein context (NP_000247.2, residues 1190-1210): RSVIAGYTAM[Leu1200Pro]CCAVRGSPKP

ClinVar aggregate classification (germline): Conflicting classifications of pathogenicity. Review status: criteria provided, conflicting classifications (1 of 4 stars). 7 submissions from 7 submitters: Likely pathogenic (4); Uncertain significance (3). Last evaluated 2023-07-16.

Conditions:
Cardiovascular phenotype. Identifiers: MedGen CN230736.
Cardiomyopathy (CMYO). Also called: Cardiomyopathies. Identifiers: Orphanet 167848, MedGen C0878544, MONDO:0004994, HP:0001638. Inheritance: Various modes of inheritance.
Primary dilated cardiomyopathy (DCM). Also called: Dilated Cardiomyopathy. Identifiers: Orphanet 217604, MedGen C0007193, MeSH D002311, MONDO:0005021, HP:0001644. Inheritance: Various modes of inheritance.
Hypertrophic cardiomyopathy 4. Also called: Familial hypertrophic cardiomyopathy 4. Identifiers: MedGen C1861862, MONDO:0007268, OMIM 115197.
Hypertrophic cardiomyopathy. Also called: HYPERTROPHIC MYOCARDIOPATHY. Identifiers: Orphanet 217569, MedGen C0007194, MeSH D002312, MONDO:0005045, HP:0001639.

Submissions (7):

Victorian Clinical Genetics Services, Murdoch Childrens Research Institute
Classification: Likely pathogenic for Hypertrophic cardiomyopathy 4. Last evaluated: 2023-07-16. Review status: criteria provided, single submitter. Criteria: ACMG Guidelines, 2015. Collection method: clinical testing. Allele origin: germline. Inheritance: Autosomal dominant inheritance. Affected: yes.
Comment: Based on the classification scheme VCGS_Germline_v1.3.4, this variant is classified as Likely pathogenic. Following criteria are met: 0102 - Loss of function is a known mechanism of disease in this gene and is associated with hypertrophic cardiomyopathy 4 (MIM#115197). (I) 0108 - This gene is associated with both recessive and dominant disease. Dominant inheritance is frequently reported in adult onset conditions and recessive inheritance results in a more severe early onset phenotype (OMIM). (I) 0115 - Variants in this gene are known to have variable expressivity (PMID: 32841044). (I) 0200 - Variant is predicted to result in a missense amino acid change from leucine to proline. (I) 0251 - This variant is heterozygous. (I) 0301 - Variant is absent from gnomAD (both v2 and v3). (SP) 0502 - Missense variant with conflicting in silico predictions and uninformative conservation. (I) 0600 - Variant is located in the annotated immunoglobulin I-set domain (DECIPHER). (I) 0705 - No comparable missense variants have previous evidence for pathogenicity. (I) 0801 - This variant has strong previous evidence of pathogenicity in unrelated individuals. It has been reported as pathogenic, likely pathogenic and a VUS in the literature and ClinVar. It has been reported in at least six unrelated individuals with hypertrophic cardiomyopathy (HCM) and one individual with cardiomyopathy, including two with neonatal heart failure or childhood-onset severe HCM who each had a second MYBPC3 variant (PMIDs: 20031619, 20560008, 24093860, 32841044, personal communication with Invitae and GeneDx). In addition, it has been reported in the UK Biobank, however no further clinical information is available for the relevant individual(s) (PMID: 30665703). (SP) 0905 - No published segregation evidence has been identified for this variant. (I) 1007 - No published functional evidence has been identified for this variant. (I) 1208 - Inheritance information for this variant is not currently available in this individual. (I) Legend: (SP) - Supporting pathogenic, (I) - Information, (SB) - Supporting benign

Ambry Genetics
Classification: Uncertain significance for Cardiovascular phenotype. Last evaluated: 2023-05-08. Review status: criteria provided, single submitter. Criteria: Ambry Variant Classification Scheme 2023. Collection method: clinical testing. Allele origin: germline.
Comment: The p.L1200P variant (also known as c.3599T>C), located in coding exon 32 of the MYBPC3 gene, results from a T to C substitution at nucleotide position 3599. The leucine at codon 1200 is replaced by proline, an amino acid with similar properties. This variant has been detected in hypertrophic cardiomyopathy cohorts (Marsiglia JD et al. Am Heart J, 2013 Oct;166:775-82; Burns C et al. Circ Cardiovasc Genet, 2017 Aug;10; Helms AS et al. Circ Genom Precis Med, 2020 Oct;13:396-405). This variant co-occurred with an MYBPC3 mutation in a pediatric case with severe HCM (Demo EM et al. J Cardiovasc Transl Res, 2009 Dec;2:500-7), and also co-occurred with an MYBPC3 mutation in a case with neonatal heart failure and and left ventricular noncompaction (Dellefave LM et al. Circ Cardiovasc Genet, 2009 Oct;2:442-9). This amino acid position is highly conserved in available vertebrate species. In addition, this alteration is predicted to be deleterious by in silico analysis. Since supporting evidence is limited at this time, the clinical significance of this alteration remains unclear.

Labcorp Genetics (formerly Invitae), Labcorp
Classification: Uncertain significance for Hypertrophic cardiomyopathy. Last evaluated: 2021-10-06. Review status: criteria provided, single submitter. Criteria: Invitae Variant Classification Sherloc (09022015). Collection method: clinical testing. Allele origin: germline.
Comment: In summary, the available evidence is currently insufficient to determine the role of this variant in disease. Therefore, it has been classified as a Variant of Uncertain Significance. Algorithms developed to predict the effect of missense changes on protein structure and function (SIFT, PolyPhen-2, Align-GVGD) all suggest that this variant is likely to be disruptive. ClinVar contains an entry for this variant (Variation ID: 42725). This missense change has been observed in individual(s) with clinical features of MYBPC3-related conditions (PMID: 20031619, 24093860, 28790153). This variant is not present in population databases (ExAC no frequency). This sequence change replaces leucine with proline at codon 1200 of the MYBPC3 protein (p.Leu1200Pro). The leucine residue is highly conserved and there is a moderate physicochemical difference between leucine and proline.

GeneDx
Classification: Uncertain significance. Last evaluated: 2020-01-20. Review status: criteria provided, single submitter. Criteria: GeneDx Variant Classification Process June 2021. Collection method: clinical testing. Allele origin: germline. Affected: yes.
Comment: Not observed in large population cohorts (Lek et al., 2016); In silico analysis, which includes protein predictors and evolutionary conservation, supports a deleterious effect; This variant is associated with the following publications: (PMID: 25335496, 15519027, 20031619, 24093860, 28790153, 22907696)

CHEO Genetics Diagnostic Laboratory, Children's Hospital of Eastern Ontario
Classification: Likely pathogenic for Cardiomyopathy. Last evaluated: 2016-07-27. Review status: criteria provided, single submitter. Criteria: ACMG Guidelines, 2015. Collection method: clinical testing. Allele origin: germline. Study: Canadian Open Genetics Repository.

Laboratory for Molecular Medicine, Mass General Brigham Personalized Medicine
Classification: Likely pathogenic for Primary dilated cardiomyopathy. Last evaluated: 2011-01-31. Review status: criteria provided, single submitter. Criteria: LMM Criteria. Collection method: clinical testing. Allele origin: germline. Observed: 1 variant allele.

Laboratory of Genetics and Molecular Cardiology, University of São Paulo
Classification: Likely pathogenic for Hypertrophic cardiomyopathy 4. Review status: criteria provided, single submitter. Criteria: LGCM Criteria August 2015. Collection method: clinical testing. Allele origin: germline. Inheritance: Autosomal dominant inheritance. Affected: yes. Observed: 1 variant allele. Study: Sarcomeric Human Cardiomyopathy Registry (ShaRe).

Literature cited by the submitters: PubMed 20031619 (cited by 3 submitters); PubMed 20560008 (cited by Victorian Clinical Genetics Services, Murdoch Childrens Research Institute and Ambry Genetics); PubMed 24093860 (cited by 3 submitters); PubMed 30665703 (cited by Victorian Clinical Genetics Services, Murdoch Childrens Research Institute); PubMed 32841044 (cited by Victorian Clinical Genetics Services, Murdoch Childrens Research Institute and Ambry Genetics); PubMed 28790153 (cited by Ambry Genetics and Labcorp Genetics (formerly Invitae), Labcorp); PubMed 33500567 (cited by Ambry Genetics); PubMed 15519027 (cited by Laboratory for Molecular Medicine, Mass General Brigham Personalized Medicine); PubMed 22907696 (cited by Laboratory of Genetics and Molecular Cardiology, University of São Paulo).